The following is an entry in ClinVar:

NM_004385.5(VCAN):c.4484G>A (p.Gly1495Asp)

Genes: VCAN (versican; plus strand), VCAN-AS1 (VCAN antisense RNA 1; minus strand). Cytogenetic location: 5q14.3.
Variant type: single nucleotide variant.
Coding change: c.4484G>A on transcript NM_004385.5 (MANE Select); coding-DNA position 4484, G replaced by A.
Protein change: p.Gly1495Asp; replaces glycine 1495 with aspartic acid.
Molecular consequence: missense variant. On other transcripts: intron variant (2).
Genome position (GRCh38, 1-based): chr5:83,537,487, G>A. VCF-style: chr5-83537487-G-A. GRCh37 (hg19) VCF-style: chr5-82833306-G-A.
Other names: c.1523G>A, p.Gly508Asp (NM_001164097.2); c.4004-8050G>A (NM_001164098.2); c.1043-8050G>A (NM_001126336.3); short protein forms G1495D, G508D.
Identifiers: ClinVar variation 1965131 (VCV001965131.5), dbSNP rs527257133, ClinGen allele CA121808486.

ClinVar aggregate classification (germline): Uncertain significance (1 of 4 stars; one submission).

Submission:

Labcorp Genetics (formerly Invitae), Labcorp
Classification: Uncertain significance. Last evaluated: 2022-11-15. Review status: criteria provided, single submitter. Criteria: Invitae Variant Classification Sherloc (09022015). Collection method: clinical testing. Allele origin: germline.
Comment: This variant has not been reported in the literature in individuals affected with VCAN-related conditions. In summary, the available evidence is currently insufficient to determine the role of this variant in disease. Therefore, it has been classified as a Variant of Uncertain Significance. Algorithms developed to predict the effect of missense changes on protein structure and function (SIFT, PolyPhen-2, Align-GVGD) all suggest that this variant is likely to be tolerated. This variant is not present in population databases (gnomAD no frequency). This sequence change replaces glycine, which is neutral and non-polar, with aspartic acid, which is acidic and polar, at codon 1495 of the VCAN protein (p.Gly1495Asp).